The following is an entry in ClinVar:

ClinVar aggregate classification (germline): Pathogenic/Likely pathogenic. Review status: criteria provided, multiple submitters, no conflicts (2 of 4 stars). 7 submissions from 7 submitters: Pathogenic (1); Likely pathogenic (5). 1 of the submissions does not count toward it. Last evaluated 2026-02-10.

Conditions:
Ciliopathy. Also called: Ciliopathies. Identifiers: Orphanet 363250, MedGen C4277690, MONDO:0005308, MeSH D000072661.
TMEM231-related disorder. Also called: TMEM231-related condition.
Meckel syndrome, type 11 (MKS11). Identifiers: Orphanet 564, MedGen C3809352, MONDO:0014164, OMIM 615397.
Joubert syndrome 20 (JBTS20). Identifiers: Orphanet 475, MedGen C3554235, MONDO:0013994, OMIM 614970.

Allele frequency attached by ClinVar (database versions not stated): gnomAD 0.00001; ExAC 0.00002; gnomAD exomes 0.00002; TOPMed 0.00002.
gnomAD v4.1: 28 of 1,612,380 alleles (0.0017%); highest among the groups gnomAD compares: South Asian, 0.012%; no homozygotes.

Submissions (9):

Dasa
Classification: Likely pathogenic. Last evaluated: 2026-02-10. Review status: criteria provided, single submitter. Criteria: DASA Assertion Criteria. Collection method: clinical testing. Allele origin: germline.
Comment: NM_001077418.3(TMEM231):c.582+1G>A affects a canonical splice site and is predicted to disrupt normal RNA splicing. Loss of function is an established disease mechanism for TMEM231-associated disorders. Functional evidence supports an impact on the gene or gene product. Also, this variant is rare in population databases. Based on the currently available evidence, this variant is classified as likely pathogenic.

Labcorp Genetics (formerly Invitae), Labcorp
Classification: Pathogenic for Joubert syndrome 20; Meckel syndrome, type 11. Last evaluated: 2026-01-09. Review status: criteria provided, single submitter. Criteria: Invitae Variant Classification Sherloc (09022015). Collection method: clinical testing. Allele origin: germline.
Comment: This sequence change affects a donor splice site in intron 3 of the TMEM231 gene. It is expected to disrupt RNA splicing. Variants that disrupt the donor or acceptor splice site typically lead to a loss of protein function (PMID: 16199547), and loss-of-function variants in TMEM231 are known to be pathogenic (PMID: 23012439, 23349226). This variant is present in population databases (rs752141701, gnomAD 0.01%). Disruption of this splice site has been observed in individual(s) with clinical features of TMEM231-related conditions (internal data). ClinVar contains an entry for this variant (Variation ID: 1454613). Algorithms developed to predict the effect of sequence changes on RNA splicing suggest that this variant may disrupt the consensus splice site. For these reasons, this variant has been classified as Pathogenic.

Fulgent Genetics
Classification: Likely pathogenic for Joubert syndrome 20; Meckel syndrome, type 11. Last evaluated: 2024-01-10. Review status: criteria provided, single submitter. Criteria: ACMG Guidelines, 2015. Collection method: clinical testing. Allele origin: germline.

Department of Pathology and Laboratory Medicine, Sinai Health System
Classification: Likely pathogenic for ciliopathy. Last evaluated: 2023-05-10. Review status: criteria provided, single submitter. Criteria: ACMG Guidelines, 2015. Collection method: research. Allele origin: germline.

Blueprint Genetics
Classification: Likely pathogenic for TMEM231-related disorders. Last evaluated: 2019-04-26. Review status: criteria provided, single submitter. Criteria: ACMG Guidelines, 2015. Collection method: clinical testing. Allele origin: germline. Affected: yes. Observed: 1 variant allele.

Juno Genomics, Hangzhou Juno Genomics, Inc
Classification: Likely pathogenic for Joubert syndrome 20; Meckel syndrome, type 11. Review status: criteria provided, single submitter. Criteria: ACMG Guidelines, 2015. Collection method: clinical testing. Allele origin: germline.
Comment: Null variant in a gene where loss of function (LOF) is a known mechanism of disease.;Absent from controls (or at extremely low frequency if recessive) in Genome Aggregation Database.

PreventionGenetics, part of Exact Sciences
Classification: Likely pathogenic for TMEM231-related condition. Last evaluated: 2024-08-29. Review status: no assertion criteria provided. Collection method: clinical testing. Allele origin: germline. Not counted in ClinVar's aggregate classification.
Comment: The TMEM231 c.741+1G>A variant is predicted to disrupt the GT donor site and interfere with normal splicing. To our knowledge, this variant has not been reported in the literature. This variant is reported in 0.013% of alleles in individuals of South Asian descent in gnomAD. Variants that disrupt the consensus splice donor site in TMEM231 are expected to be pathogenic. This variant is interpreted as likely pathogenic.

Dr. Peter K. Rogan Lab, Western University
No classification provided (evidence only). Condition: Squamous cell carcinoma of the head and neck. Review status: no classification provided. Collection method: in vitro. Allele origin: not applicable. Functional consequence: skipped exon, retained intron. Not counted in ClinVar's aggregate classification.

Dr. Peter K. Rogan Lab, Western University
No classification provided (evidence only). Condition: Pancreatic adenocarcinoma. Review status: no classification provided. Collection method: in vitro. Allele origin: not applicable. Functional consequence: skipped exon. Not counted in ClinVar's aggregate classification.

Literature cited by the submitters: PubMed 16199547 (cited by Labcorp Genetics (formerly Invitae), Labcorp); PubMed 23012439 (cited by Labcorp Genetics (formerly Invitae), Labcorp); PubMed 23349226 (cited by Labcorp Genetics (formerly Invitae), Labcorp).

NM_001077418.3(TMEM231):c.582+1G>A

Gene: TMEM231 (transmembrane protein 231; minus strand). Cytogenetic location: 16q23.1.
Variant type: single nucleotide variant.
Coding change: c.582+1G>A on transcript NM_001077418.3 (MANE Select); the canonical splice donor site of the intron after coding-DNA position 582, G replaced by A.
Molecular consequence: splice donor variant.
Genome position (GRCh38, 1-based): chr16:75,545,351, C>T on the plus strand (G>A on the coding strand, the complement: TMEM231 is on the minus strand). VCF-style: chr16-75545351-C-T. GRCh37 (hg19) VCF-style: chr16-75579249-C-T.
Other names: c.741+1G>A (NM_001077416.2).
Identifiers: ClinVar variation 1454613 (VCV001454613.15), dbSNP rs752141701, ClinGen allele CA8176148.